The following is an entry in ClinVar:

NM_025136.4(OPA3):c.*638T>A

Genes: OPA3 (outer mitochondrial membrane lipid metabolism regulator OPA3; minus strand), OPA3-RTN2 (OPA3-RTN2 readthrough; minus strand). Cytogenetic location: 19q13.32.
Variant type: single nucleotide variant.
Coding change: c.*638T>A on transcript NM_025136.4 (MANE Select); 638 bases downstream of the stop codon, T replaced by A.
Molecular consequence: 3 prime UTR variant. On other transcripts: intron variant (1).
Genome position (GRCh38, 1-based): chr19:45,552,876, A>T on the plus strand (T>A on the coding strand, the complement: OPA3 is on the minus strand). VCF-style: chr19-45552876-A-T. GRCh37 (hg19) VCF-style: chr19-46056134-A-T.
Other names: c.143-23420T>A (NM_001017989.3).
Identifiers: ClinVar variation 329671 (VCV000329671.9), dbSNP rs150575877, ClinGen allele CA10643030.

ClinVar aggregate classification (germline): Benign. Review status: criteria provided, multiple submitters, no conflicts (2 of 4 stars). 4 submissions from 3 submitters: Benign (4). Last evaluated 2021-05-14.

Conditions:
Optic atrophy 3 (OPA3). Also called: OPTIC ATROPHY 3, AUTOSOMAL DOMINANT; Optic atrophy, cataract, and neurologic disorder; Optic atrophy 3 with cataract. Identifiers: Orphanet 67036, MedGen C1833809, MONDO:0008133, OMIM 165300.
3-Methylglutaconic aciduria type 3 (MGCA3). Also called: OPA3, AUTOSOMAL RECESSIVE; OPTIC ATROPHY 3, AUTOSOMAL RECESSIVE; Costeff Syndrome; OPA3-Related 3-Methylglutaconic Aciduria. Identifiers: Orphanet 67047, MedGen C0574084, MONDO:0009787, OMIM 258501.

Allele frequency attached by ClinVar (database versions not stated): gnomAD 0.13416 and 0.13761; TOPMed 0.13418; 1000 Genomes Project 30x 0.14304; 1000 Genomes Project 0.14776; gnomAD exomes 0.15160.

Submissions (4):

GeneDx
Classification: Benign. Last evaluated: 2021-05-14. Review status: criteria provided, single submitter. Criteria: GeneDx Variant Classification Process June 2021. Collection method: clinical testing. Allele origin: germline. Affected: yes.

Illumina Laboratory Services, Illumina
Classification: Benign for 3-Methylglutaconic aciduria type 3. Last evaluated: 2018-01-13. Review status: criteria provided, single submitter. Criteria: ICSL Variant Classification Criteria 13 December 2019. Collection method: clinical testing. Allele origin: germline.
Comment: This variant was observed in the ICSL laboratory as part of a predisposition screen in an ostensibly healthy population. It had not been previously curated by ICSL or reported in the Human Gene Mutation Database (HGMD: prior to June 1st, 2018), and was therefore a candidate for classification through an automated scoring system. Utilizing variant allele frequency, disease prevalence and penetrance estimates, and inheritance mode, an automated score was calculated to assess if this variant is too frequent to cause the disease. Based on the score and internal cut-off values, a variant classified as benign is not then subjected to further curation. The score for this variant resulted in a classification of benign for this disease.

Illumina Laboratory Services, Illumina
Classification: Benign for Optic atrophy 3. Last evaluated: 2018-01-13. Review status: criteria provided, single submitter. Criteria: ICSL Variant Classification Criteria 13 December 2019. Collection method: clinical testing. Allele origin: germline.
Comment: the same text as in the submission from Illumina Laboratory Services, Illumina above.

Breakthrough Genomics
Classification: Benign. Review status: criteria provided, single submitter. Criteria: ACMG Guidelines, 2015. Collection method: not provided. Allele origin: germline. Inheritance: Autosomal recessive inheritance. Affected: yes.